The following is an entry in ClinVar:

NM_000726.5(CACNB4):c.809T>C (p.Val270Ala)

Gene: CACNB4 (calcium voltage-gated channel auxiliary subunit beta 4; minus strand). Cytogenetic location: 2q23.3.
Variant type: single nucleotide variant.
Coding change: c.809T>C on transcript NM_000726.5 (MANE Select); coding-DNA position 809, T replaced by C.
Protein change: p.Val270Ala; replaces valine 270 with alanine.
Molecular consequence: missense variant. On other transcripts: intron variant (3).
Genome position (GRCh38, 1-based): chr2:151,860,770, A>G on the plus strand (T>C on the coding strand, the complement: CACNB4 is on the minus strand). VCF-style: chr2-151860770-A-G. GRCh37 (hg19) VCF-style: chr2-152717284-A-G.
Other names: c.755T>C, p.Val252Ala (NM_001005746.4); c.707T>C, p.Val236Ala (NM_001005747.4); c.809T>C, p.Val270Ala (NM_001145798.3); c.668T>C, p.Val223Ala (NM_001320722.3, NM_001330118.2); c.155T>C, p.Val52Ala (NM_001330114.2); c.251T>C, p.Val84Ala (NM_001330117.2); c.626-5395T>C (NM_001330113.2); c.578-5395T>C (NM_001330115.2); and 1 more; short protein forms V236A, V84A, V252A, V270A, V52A, V223A.
Identifiers: ClinVar variation 659141 (VCV000659141.1), dbSNP rs1578499181, ClinGen allele CA348793008.

ClinVar aggregate classification (germline): Uncertain significance (1 of 4 stars; one submission).

Conditions:
Idiopathic generalized epilepsy. Also called: EIG; Generalised epilepsy. Identifiers: MedGen C0270850, MONDO:0005579, OMIM 600669.

Allele frequency attached by ClinVar (database versions not stated): gnomAD exomes below 0.00001; gnomAD 0.00001.
gnomAD v4.1: 3 of 1,613,646 alleles (0.00019%); highest among the groups gnomAD compares: African/African-American, 0.0027%; no homozygotes.

Submission:

Labcorp Genetics (formerly Invitae), Labcorp
Classification: Uncertain significance for Idiopathic generalized epilepsy. Last evaluated: 2018-11-07. Review status: criteria provided, single submitter. Criteria: Invitae Variant Classification Sherloc (09022015). Collection method: clinical testing. Allele origin: germline.
Comment: This sequence change replaces valine with alanine at codon 270 of the CACNB4 protein (p.Val270Ala). The valine residue is moderately conserved and there is a small physicochemical difference between valine and alanine. This variant is not present in population databases (ExAC no frequency). This variant has not been reported in the literature in individuals with CACNB4-related disease. Algorithms developed to predict the effect of missense changes on protein structure and function are either unavailable or do not agree on the potential impact of this missense change (SIFT: "Deleterious"; PolyPhen-2: "Benign"; Align-GVGD: "Class C0"). In summary, the available evidence is currently insufficient to determine the role of this variant in disease. Therefore, it has been classified as a Variant of Uncertain Significance.